The following is an entry in ClinVar:

NM_000426.4(LAMA2):c.6136G>A (p.Asp2046Asn)

Genes: LAMA2 (laminin subunit alpha 2; plus strand), LOC123864065 (Sharpr-MPRA regulatory region 661; plus strand). Cytogenetic location: 6q22.33.
Variant type: single nucleotide variant.
Coding change: c.6136G>A on transcript NM_000426.4 (MANE Select); coding-DNA position 6136, G replaced by A.
Protein change: p.Asp2046Asn; replaces aspartic acid 2046 with asparagine.
Molecular consequence: missense variant.
Genome position (GRCh38, 1-based): chr6:129,440,866, G>A. VCF-style: chr6-129440866-G-A. GRCh37 (hg19) VCF-style: chr6-129762011-G-A.
Other names: c.6136G>A, p.Asp2046Asn (NM_001079823.2); short protein forms D2046N.
Identifiers: ClinVar variation 1502532 (VCV001502532.3), dbSNP rs201265215, ClinGen allele CA3994119.
Genomic context (GRCh38, chr6:129,440,866, plus strand): 5'-CTGCTGACAGATACAGCTGCTAAACTGCAAGCTGTTAAGGACAAAGCCAGACAAGCCAAC[G>A]ACACAGCTAAAGATGTACTGGCACAGATTACAGAGCTCCACCAGAACCTCGATGGCCTGA-3'
Protein context (NP_000417.3, residues 2036-2056): AVKDKARQAN[Asp2046Asn]TAKDVLAQIT

ClinVar aggregate classification (germline): Uncertain significance (1 of 4 stars; one submission).

Conditions:
LAMA2-related muscular dystrophy (LAMA2-RD). Also called: Laminin alpha 2-related dystrophy. Identifiers: MedGen C5679788, MONDO:0100228.

Allele frequency attached by ClinVar (database versions not stated): TOPMed 0.00005; gnomAD 0.00009; ESP Exome Variant Server 0.00015.
gnomAD v4.1: 62 of 1,613,776 alleles (0.0038%); highest among the groups gnomAD compares: Admixed American, 0.0083%; no homozygotes.

Submission:

Labcorp Genetics (formerly Invitae), Labcorp
Classification: Uncertain significance for LAMA2-related muscular dystrophy. Last evaluated: 2021-11-02. Review status: criteria provided, single submitter. Criteria: Invitae Variant Classification Sherloc (09022015). Collection method: clinical testing. Allele origin: germline.
Comment: This sequence change replaces aspartic acid, which is acidic and polar, with asparagine, which is neutral and polar, at codon 2046 of the LAMA2 protein (p.Asp2046Asn). This variant is present in population databases (rs201265215, gnomAD 0.01%). This variant has not been reported in the literature in individuals affected with LAMA2-related conditions. Advanced modeling of protein sequence and biophysical properties (such as structural, functional, and spatial information, amino acid conservation, physicochemical variation, residue mobility, and thermodynamic stability) performed at Invitae indicates that this missense variant is not expected to disrupt LAMA2 protein function. In summary, the available evidence is currently insufficient to determine the role of this variant in disease. Therefore, it has been classified as a Variant of Uncertain Significance.